The following is an entry in ClinVar:

NM_001424.6(EMP2):c.*9A>G

Gene: EMP2 (epithelial membrane protein 2; minus strand). Cytogenetic location: 16p13.13.
Variant type: single nucleotide variant.
Coding change: c.*9A>G on transcript NM_001424.6 (MANE Select); 9 bases downstream of the stop codon, A replaced by G.
Molecular consequence: 3 prime UTR variant.
Genome position (GRCh38, 1-based): chr16:10,532,896, T>C on the plus strand (A>G on the coding strand, the complement: EMP2 is on the minus strand). VCF-style: chr16-10532896-T-C. GRCh37 (hg19) VCF-style: chr16-10626753-T-C.
Identifiers: ClinVar variation 3055582 (VCV003055582.2), dbSNP rs373918074, ClinGen allele CA7897703.

ClinVar aggregate classification (germline): Likely benign (0 of 4 stars; one submission).

Conditions:
EMP2-related disorder. Also called: EMP2-related condition.

Allele frequency attached by ClinVar (database versions not stated): TOPMed 0.00006; ESP Exome Variant Server 0.00015; gnomAD 0.00018; gnomAD exomes 0.00021; ExAC 0.00045; 1000 Genomes Project 0.00060; 1000 Genomes Project 30x 0.00062.

Submission:

PreventionGenetics, part of Exact Sciences
Classification: Likely benign for EMP2-related condition. Last evaluated: 2019-11-22. Review status: no assertion criteria provided. Collection method: clinical testing. Allele origin: germline.
Comment: This variant is classified as likely benign based on ACMG/AMP sequence variant interpretation guidelines (Richards et al. 2015 PMID: 25741868, with internal and published modifications).